The following is an entry in ClinVar:

NM_021930.6(RINT1):c.1385C>G (p.Ser462Trp)

Gene: RINT1 (RAD50 interactor 1; plus strand). Cytogenetic location: 7q22.3.
Variant type: single nucleotide variant.
Coding change: c.1385C>G on transcript NM_021930.6 (MANE Select); coding-DNA position 1385, C replaced by G.
Protein change: p.Ser462Trp; replaces serine 462 with tryptophan.
Molecular consequence: missense variant. On other transcripts: non-coding transcript variant (1).
Genome position (GRCh38, 1-based): chr7:105,551,621, C>G. VCF-style: chr7-105551621-C-G. GRCh37 (hg19) VCF-style: chr7-105192068-C-G.
Other names: c.1151C>G, p.Ser384Trp (NM_001346599.2); c.362C>G, p.Ser121Trp (NM_001346600.2, NM_001346603.2); c.461C>G, p.Ser154Trp (NM_001346601.2); short protein forms S154W, S121W, S384W, S462W.
Identifiers: ClinVar variation 4578205 (VCV004578205.1).
Genomic context (GRCh38, chr7:105,551,621, plus strand): 5'-GCTTATCAGTTGCTCTTCAAAAAATGGACTCAATGCTTTCCTCAGAAGCTGCCTGGGTAT[C>G]GCAATATAAGGATATCACTGACGTGGATGAAATGAAAGTTCCAGATTGTGCAGAAACTTT-3'
Protein context (NP_068749.3, residues 452-472): SMLSSEAAWV[Ser462Trp]QYKDITDVDE

ClinVar aggregate classification (germline): Uncertain significance (1 of 4 stars; one submission).

gnomAD v4.1: 1 of 1,609,888 alleles (0.000062%); highest among the groups gnomAD compares: South Asian, 0.0011%; no homozygotes.

Submission:

Ambry Genetics
Classification: Uncertain significance. Last evaluated: 2025-10-01. Review status: criteria provided, single submitter. Criteria: Ambry Variant Classification Scheme 2023. Collection method: clinical testing. Allele origin: germline.
Comment: The p.S462W variant (also known as c.1385C>G), located in coding exon 10 of the RINT1 gene, results from a C to G substitution at nucleotide position 1385. The serine at codon 462 is replaced by tryptophan, an amino acid with highly dissimilar properties. This amino acid position is conserved. In addition, the in silico prediction for this alteration is inconclusive. Based on the available evidence, the clinical significance of this variant remains unclear.